The following is an entry in ClinVar:

ClinVar aggregate classification (germline): Uncertain significance (1 of 4 stars; one submission).

Allele frequency attached by ClinVar (database versions not stated): gnomAD 0.00002 and 0.00003; gnomAD exomes 0.00003 and 0.00004; ExAC 0.00004; TOPMed 0.00004.
gnomAD v4.1: 47 of 1,614,130 alleles (0.0029%); highest among the groups gnomAD compares: East Asian, 0.0089%; 1 homozygote.

Submission:

Labcorp Genetics (formerly Invitae), Labcorp
Classification: Uncertain significance. Last evaluated: 2022-02-24. Review status: criteria provided, single submitter. Criteria: Invitae Variant Classification Sherloc (09022015). Collection method: clinical testing. Allele origin: germline.
Comment: In summary, the available evidence is currently insufficient to determine the role of this variant in disease. Therefore, it has been classified as a Variant of Uncertain Significance. Algorithms developed to predict the effect of sequence changes on RNA splicing suggest that this variant may create or strengthen a splice site. Algorithms developed to predict the effect of missense changes on protein structure and function output the following: SIFT: "Tolerated"; PolyPhen-2: "Benign"; Align-GVGD: "Class C0". The isoleucine amino acid residue is found in multiple mammalian species, which suggests that this missense change does not adversely affect protein function. ClinVar contains an entry for this variant (Variation ID: 1022106). This variant has not been reported in the literature in individuals affected with LRIT3-related conditions. This variant is present in population databases (rs776169878, gnomAD 0.02%). This sequence change replaces valine, which is neutral and non-polar, with isoleucine, which is neutral and non-polar, at codon 219 of the LRIT3 protein (p.Val219Ile).

NM_198506.5(LRIT3):c.655G>A (p.Val219Ile)

Gene: LRIT3 (leucine rich repeat, Ig-like and transmembrane domains 3; plus strand). Cytogenetic location: 4q25.
Variant type: single nucleotide variant.
Coding change: c.655G>A on transcript NM_198506.5 (MANE Select); coding-DNA position 655, G replaced by A.
Protein change: p.Val219Ile; replaces valine 219 with isoleucine.
Molecular consequence: missense variant.
Genome position (GRCh38, 1-based): chr4:109,867,706, G>A. VCF-style: chr4-109867706-G-A. GRCh37 (hg19) VCF-style: chr4-110788862-G-A.
Other names: short protein forms V219I.
Identifiers: ClinVar variation 1022106 (VCV001022106.5), dbSNP rs776169878, ClinGen allele CA3043040.